The following is an entry in ClinVar:

ClinVar aggregate classification (germline): Uncertain significance. Review status: criteria provided, multiple submitters, no conflicts (2 of 4 stars). 2 submissions from 2 submitters: Uncertain significance (2). Last evaluated 2025-01-10.

Conditions:
MEOX1-related disorder. Also called: MEOX1-related condition.
Inborn genetic diseases. Identifiers: MedGen C0950123, MeSH D030342.

Allele frequency attached by ClinVar (database versions not stated): gnomAD 0.00001; ExAC 0.00002; TOPMed 0.00002; gnomAD exomes 0.00003.
gnomAD v4.1: 41 of 1,612,414 alleles (0.0025%); highest among the groups gnomAD compares: Admixed American, 0.01%; no homozygotes.

Submissions (2):

PreventionGenetics, part of Exact Sciences
Classification: Uncertain significance for MEOX1-related condition. Last evaluated: 2025-01-10. Review status: criteria provided, single submitter. Criteria: ACMG Guidelines, 2015. Collection method: clinical testing. Allele origin: germline.
Comment: The MEOX1 c.643G>A variant is predicted to result in the amino acid substitution p.Val215Ile. To our knowledge, this variant has not been reported in the literature. This variant is reported in 0.011% of alleles in individuals of Latino descent in gnomAD. At this time, the clinical significance of this variant is uncertain due to the absence of conclusive functional and genetic evidence.

Ambry Genetics
Classification: Uncertain significance for Inborn genetic diseases. Last evaluated: 2024-02-28. Review status: criteria provided, single submitter. Criteria: Ambry Variant Classification Scheme 2023. Collection method: clinical testing. Allele origin: germline.

NM_004527.4(MEOX1):c.643G>A (p.Val215Ile)

Gene: MEOX1 (mesenchyme homeobox 1; minus strand). Cytogenetic location: 17q21.31.
Variant type: single nucleotide variant.
Coding change: c.643G>A on transcript NM_004527.4 (MANE Select); coding-DNA position 643, G replaced by A.
Protein change: p.Val215Ile; replaces valine 215 with isoleucine.
Molecular consequence: missense variant.
Genome position (GRCh38, 1-based): chr17:43,642,032, C>T on the plus strand (G>A on the coding strand, the complement: MEOX1 is on the minus strand). VCF-style: chr17-43642032-C-T. GRCh37 (hg19) VCF-style: chr17-41719400-C-T.
Other names: c.298G>A, p.Val100Ile (NM_001040002.2); c.470G>A, p.Gly157Asp (NM_013999.4); short protein forms V215I, G157D, V100I.
Identifiers: ClinVar variation 3125308 (VCV003125308.2), dbSNP rs766089295, ClinGen allele CA8592546.